The following is an entry in ClinVar:

ClinVar aggregate classification (germline): Uncertain significance. Review status: criteria provided, multiple submitters, no conflicts (2 of 4 stars). 2 submissions from 2 submitters: Uncertain significance (2). Last evaluated 2025-08-30.

Conditions:
Hereditary cancer-predisposing syndrome. Also called: Hereditary Cancer Syndrome; Hereditary neoplastic syndrome; Neoplastic Syndromes, Hereditary; Tumor predisposition. Identifiers: Orphanet 140162, MedGen C0027672, MeSH D009386, MONDO:0015356.

Allele frequency attached by ClinVar (database versions not stated): gnomAD exomes below 0.00001 and 0.00001; TOPMed below 0.00001; ExAC 0.00001; gnomAD 0.00001.
gnomAD v4.1: 6 of 1,614,054 alleles (0.00037%); highest among the groups gnomAD compares: Non-Finnish European, 0.00034%; no homozygotes.

Submissions (2):

Ambry Genetics
Classification: Uncertain significance for Hereditary cancer-predisposing syndrome. Last evaluated: 2025-08-30. Review status: criteria provided, single submitter. Criteria: Ambry Variant Classification Scheme 2023. Collection method: clinical testing. Allele origin: germline.

Labcorp Genetics (formerly Invitae), Labcorp
Classification: Uncertain significance. Last evaluated: 2025-07-07. Review status: criteria provided, single submitter. Criteria: Invitae Variant Classification Sherloc (09022015). Collection method: clinical testing. Allele origin: germline.
Comment: This sequence change replaces isoleucine, which is neutral and non-polar, with valine, which is neutral and non-polar, at codon 634 of the POLE protein (p.Ile634Val). This variant is present in population databases (rs757296864, gnomAD 0.0009%). This variant has not been reported in the literature in individuals affected with POLE-related conditions. ClinVar contains an entry for this variant (Variation ID: 405825). Invitae Evidence Modeling of protein sequence and biophysical properties (such as structural, functional, and spatial information, amino acid conservation, physicochemical variation, residue mobility, and thermodynamic stability) indicates that this missense variant is expected to disrupt POLE protein function with a positive predictive value of 80%. In summary, the available evidence is currently insufficient to determine the role of this variant in disease. Therefore, it has been classified as a Variant of Uncertain Significance.

NM_006231.4(POLE):c.1900A>G (p.Ile634Val)

Gene: POLE (DNA polymerase epsilon, catalytic subunit; minus strand). Cytogenetic location: 12q24.33.
Variant type: single nucleotide variant.
Coding change: c.1900A>G on transcript NM_006231.4 (MANE Select); coding-DNA position 1900, A replaced by G.
Protein change: p.Ile634Val; replaces isoleucine 634 with valine.
Molecular consequence: missense variant.
Genome position (GRCh38, 1-based): chr12:132,668,834, T>C on the plus strand (A>G on the coding strand, the complement: POLE is on the minus strand). VCF-style: chr12-132668834-T-C. GRCh37 (hg19) VCF-style: chr12-133245420-T-C.
Other names: c.1900A>G (NM_006231.2); short protein forms I634V.
Identifiers: ClinVar variation 405825 (VCV000405825.12), dbSNP rs757296864, ClinGen allele CA6893783.